The following is an entry in ClinVar:

NM_006389.5(HYOU1):c.2792A>G (p.Asn931Ser)

Gene: HYOU1 (hypoxia up-regulated 1; minus strand). Cytogenetic location: 11q23.3.
Variant type: single nucleotide variant.
Coding change: c.2792A>G on transcript NM_006389.5 (MANE Select); coding-DNA position 2792, A replaced by G.
Protein change: p.Asn931Ser; replaces asparagine 931 with serine.
Molecular consequence: missense variant.
Genome position (GRCh38, 1-based): chr11:119,046,606, T>C on the plus strand (A>G on the coding strand, the complement: HYOU1 is on the minus strand). VCF-style: chr11-119046606-T-C. GRCh37 (hg19) VCF-style: chr11-118917318-T-C.
Other names: c.2792A>G, p.Asn931Ser (NM_001130991.3, NM_001411041.1); short protein forms N931S.
Identifiers: ClinVar variation 2724623 (VCV002724623.3), dbSNP rs782171221, ClinGen allele CA229616811.

ClinVar aggregate classification (germline): Uncertain significance (1 of 4 stars; one submission).

Allele frequency attached by ClinVar (database versions not stated): TOPMed 0.00003; gnomAD 0.00002; gnomAD exomes 0.00003.

Submission:

Labcorp Genetics (formerly Invitae), Labcorp
Classification: Uncertain significance. Last evaluated: 2025-11-06. Review status: criteria provided, single submitter. Criteria: Invitae Variant Classification Sherloc (09022015). Collection method: clinical testing. Allele origin: germline.
Comment: This sequence change replaces asparagine, which is neutral and polar, with serine, which is neutral and polar, at codon 931 of the HYOU1 protein (p.Asn931Ser). This variant is present in population databases (rs782171221, gnomAD 0.05%). This variant has not been reported in the literature in individuals affected with HYOU1-related conditions. ClinVar contains an entry for this variant (Variation ID: 2724623). An algorithm developed to predict the effect of missense changes on protein structure and function outputs the following: PolyPhen-2: "Not Available". The serine amino acid residue is found in multiple mammalian species, which suggests that this missense change does not adversely affect protein function. In summary, the available evidence is currently insufficient to determine the role of this variant in disease. Therefore, it has been classified as a Variant of Uncertain Significance.